The following is an entry in ClinVar:

NM_000176.3(NR3C1):c.376A>G (p.Ile126Val)

Gene: NR3C1 (nuclear receptor subfamily 3 group C member 1; minus strand). Cytogenetic location: 5q31.3.
Variant type: single nucleotide variant.
Coding change: c.376A>G on transcript NM_000176.3 (MANE Select); coding-DNA position 376, A replaced by G.
Protein change: p.Ile126Val; replaces isoleucine 126 with valine.
Molecular consequence: missense variant. On other transcripts: 5 prime UTR variant (3).
Genome position (GRCh38, 1-based): chr5:143,400,464, T>C on the plus strand (A>G on the coding strand, the complement: NR3C1 is on the minus strand). VCF-style: chr5-143400464-T-C. GRCh37 (hg19) VCF-style: chr5-142780029-T-C.
Other names: c.376A>G, p.Ile126Val (NM_001018074.1, NM_001018075.1, NM_001018076.2 and 10 more transcripts); c.298A>G, p.Ile100Val (NM_001204258.2); c.121A>G, p.Ile41Val (NM_001204259.2); c.109A>G, p.Ile37Val (NM_001204260.2); c.85A>G, p.Ile29Val (NM_001204261.2); c.-570A>G (NM_001204262.2); c.-615A>G (NM_001204263.2); c.-630A>G (NM_001204264.2); short protein forms I100V, I126V, I29V, I37V, I41V.
Identifiers: ClinVar variation 3611055 (VCV003611055.2).
Genomic context (GRCh38, chr5:143,400,464, plus strand): 5'-CAGTGGATGCTGAACTCTTGGGGTTCTCTGGAACACTGGTCGACCTATTGAGGTTTGCAA[T>C]GCTTTCTTCCAAAAGCTTTAAGTCTGTTTCCCCCGAGGAAAGGCTGATTTGGCCCTGCTG-3'
Protein context (NP_000167.1, residues 116-136): ETDLKLLEES[Ile126Val]ANLNRSTSVP

ClinVar aggregate classification (germline): Uncertain significance (1 of 4 stars; one submission).

gnomAD v4.1: 5 of 1,614,112 alleles (0.00031%); highest among the groups gnomAD compares: Non-Finnish European, 0.00042%; no homozygotes.

Submission:

Labcorp Genetics (formerly Invitae), Labcorp
Classification: Uncertain significance. Last evaluated: 2024-08-07. Review status: criteria provided, single submitter. Criteria: Invitae Variant Classification Sherloc (09022015). Collection method: clinical testing. Allele origin: germline.
Comment: This sequence change replaces isoleucine, which is neutral and non-polar, with valine, which is neutral and non-polar, at codon 126 of the NR3C1 protein (p.Ile126Val). This variant is present in population databases (rs776690628, gnomAD 0.0009%). This variant has not been reported in the literature in individuals affected with NR3C1-related conditions. An algorithm developed to predict the effect of missense changes on protein structure and function (PolyPhen-2) suggests that this variant is likely to be disruptive. In summary, the available evidence is currently insufficient to determine the role of this variant in disease. Therefore, it has been classified as a Variant of Uncertain Significance.